The following is an entry in ClinVar:

NM_017780.4(CHD7):c.7855T>C (p.Ser2619Pro)

Gene: CHD7 (chromodomain helicase DNA binding protein 7; plus strand). Cytogenetic location: 8q12.2.
Variant type: single nucleotide variant.
Coding change: c.7855T>C on transcript NM_017780.4 (MANE Select); coding-DNA position 7855, T replaced by C.
Protein change: p.Ser2619Pro; replaces serine 2619 with proline.
Molecular consequence: missense variant. On other transcripts: intron variant (1).
Genome position (GRCh38, 1-based): chr8:60,862,220, T>C. VCF-style: chr8-60862220-T-C. GRCh37 (hg19) VCF-style: chr8-61774779-T-C.
Other names: c.1717-9T>C (NM_001316690.1); c.7855T>C (NM_017780.3); short protein forms S2619P.
Identifiers: ClinVar variation 2187056 (VCV002187056.5), dbSNP rs375826047, ClinGen allele CA4760911.

ClinVar aggregate classification (germline): Uncertain significance. Review status: criteria provided, multiple submitters, no conflicts (2 of 4 stars). 2 submissions from 2 submitters: Uncertain significance (2). Last evaluated 2026-06-12.

Conditions:
CHARGE syndrome (CHARGE). Also called: Hittner Hirsch Kreh syndrome; CHARGE ASSOCIATION--COLOBOMA, HEART ANOMALY, CHOANAL ATRESIA, RETARDATION, GENITAL AND EAR ANOMALIES; Coloboma, heart anomaly, choanal atresia, retardation, genital and ear anomalies; CHARGE association; Hall-Hittner syndrome. Identifiers: Orphanet 138, MedGen C0265354, MONDO:0008965.
CHD7-related disorder. Also called: CHD7-related condition.

Allele frequency attached by ClinVar (database versions not stated): gnomAD exomes below 0.00001; ExAC 0.00001; gnomAD 0.00002; TOPMed 0.00002; ESP Exome Variant Server 0.00008.
gnomAD v4.1: 9 of 1,610,914 alleles (0.00056%); highest among the groups gnomAD compares: Non-Finnish European, 0.00059%; no homozygotes.

Submissions (2):

PreventionGenetics, part of Exact Sciences
Classification: Uncertain significance for CHD7-related condition. Last evaluated: 2026-06-12. Review status: criteria provided, single submitter. Criteria: ACMG Guidelines, 2015. Collection method: clinical testing. Allele origin: germline.
Comment: The CHD7 c.7855T>C variant is predicted to result in the amino acid substitution p.Ser2619Pro. To our knowledge, this variant has not been reported in the literature or in a large population database (gnomAD), indicating this variant is rare. At this time, the clinical significance of this variant is uncertain due to the absence of conclusive functional and genetic evidence.

Labcorp Genetics (formerly Invitae), Labcorp
Classification: Uncertain significance for CHARGE syndrome. Last evaluated: 2026-02-03. Review status: criteria provided, single submitter. Criteria: Invitae Variant Classification Sherloc (09022015). Collection method: clinical testing. Allele origin: germline.
Comment: This sequence change replaces serine, which is neutral and polar, with proline, which is neutral and non-polar, at codon 2619 of the CHD7 protein (p.Ser2619Pro). This variant is present in population databases (rs375826047, gnomAD 0.0009%). This variant has not been reported in the literature in individuals affected with CHD7-related conditions. ClinVar contains an entry for this variant (Variation ID: 2187056). Invitae Evidence Modeling of protein sequence and biophysical properties (such as structural, functional, and spatial information, amino acid conservation, physicochemical variation, residue mobility, and thermodynamic stability) indicates that this missense variant is not expected to disrupt CHD7 protein function with a negative predictive value of 95%. In summary, the available evidence is currently insufficient to determine the role of this variant in disease. Therefore, it has been classified as a Variant of Uncertain Significance.